The following is an entry in ClinVar:

NM_006831.3(CLP1):c.419G>A (p.Arg140His)

Gene: CLP1 (cleavage factor polyribonucleotide kinase subunit 1; plus strand). Cytogenetic location: 11q12.1.
Variant type: single nucleotide variant.
Coding change: c.419G>A on transcript NM_006831.3 (MANE Select); coding-DNA position 419, G replaced by A.
Protein change: p.Arg140His; replaces arginine 140 with histidine.
Molecular consequence: missense variant. On other transcripts: intron variant (1).
Genome position (GRCh38, 1-based): chr11:57,659,895, G>A. VCF-style: chr11-57659895-G-A. GRCh37 (hg19) VCF-style: chr11-57427367-G-A.
Other names: c.414+5G>A (NM_001142597.2); short protein forms R140H.
Identifiers: ClinVar variation 143934 (VCV000143934.55), dbSNP rs587777616, ClinGen allele CA333293.

ClinVar aggregate classification (germline): Pathogenic/Likely pathogenic. Review status: criteria provided, multiple submitters, no conflicts (2 of 4 stars). 13 submissions from 13 submitters: Pathogenic (10); Likely pathogenic (1). 2 of the submissions do not count toward it. Last evaluated 2025-06-27.

Conditions:
Pontocerebellar hypoplasia type 10. Identifiers: Orphanet 411493, MedGen C5190575, MONDO:0014349, OMIM 615803.
Pontoneocerebellar hypoplasia. Also called: Pontocerebellar hypoplasia; Non-syndromic pontocerebellar hypoplasia. Identifiers: Orphanet 98523, MedGen C1261175, MONDO:0020135.

Allele frequency attached by ClinVar (database versions not stated): gnomAD exomes below 0.00001 and 0.00002; ExAC 0.00001.

Submissions (13):

Women's Health and Genetics/Laboratory Corporation of America, LabCorp
Classification: Pathogenic for Pontoneocerebellar hypoplasia. Last evaluated: 2025-06-27. Review status: criteria provided, single submitter. Criteria: LabCorp Variant Classification Summary - May 2015. Collection method: clinical testing. Allele origin: germline.
Comment: Variant summary: CLP1 c.419G>A (p.Arg140His) results in a non-conservative amino acid change in the encoded protein sequence. Algorithms developed to predict the effect of missense changes on protein structure and function are either unavailable or do not agree on the potential impact of this missense change. The variant allele was found at a frequency of 4e-06 in 251204 control chromosomes. c.419G>A has been observed at a homozygous state in multiple families affected with progressive brain atrophy, cerebellar development delay and neurodegeneration (example, Schaffer_2014). These data indicate that the variant is very likely to be associated with disease. At least one publication reports experimental evidence evaluating an impact on protein function. The most pronounced variant effect results in less than 50% of normal activity in vitro (Schaffer_2014). The following publication has been ascertained in the context of this evaluation (PMID: 24766810). ClinVar contains an entry for this variant (Variation ID: 143934). Based on the evidence outlined above, the variant was classified as pathogenic.

GeneDx
Classification: Pathogenic. Last evaluated: 2024-12-15. Review status: criteria provided, single submitter. Criteria: GeneDx Variant Classification Process June 2021. Collection method: clinical testing. Allele origin: germline. Affected: yes.
Comment: Published functional studies demonstrate a damaging effect on protein function (PMID: 35139363, 24766809, 24766810); Not observed at significant frequency in large population cohorts (gnomAD); In silico analysis supports that this missense variant has a deleterious effect on protein structure/function; This variant is associated with the following publications: (PMID: 29307788, 24766809, 24766810, 34548404, 38622473, 34273619, 35156311, 25142875, 32143824, Ozcora2020[article], 34791078, 33337366, 38925092, 34584079, 37231152, 35139363, 36076253, 35719383, 38347586, 28097321, 34582790, Ibrahimoglu2024[abstract])

Institute of Human Genetics, University of Leipzig Medical Center
Classification: Pathogenic for Pontocerebellar hypoplasia type 10. Last evaluated: 2023-11-28. Review status: criteria provided, single submitter. Criteria: ACMG Guidelines, 2015. Collection method: clinical testing. Allele origin: unknown. Inheritance: Autosomal recessive inheritance. Affected: yes.
Comment: Criteria applied: PP1_STR,PS3_MOD,PM3,PM2_SUP,PP3

Center for Comprehensive Genetic Services, Shahid Beheshti University of Medical Sciences
Classification: Pathogenic for Pontocerebellar hypoplasia type 10. Last evaluated: 2023-05-27. Review status: criteria provided, single submitter. Criteria: ACMG Guidelines, 2015. Collection method: clinical testing. Allele origin: inherited. Inheritance: Autosomal recessive inheritance. Affected: yes. Observed: 2 variant alleles, 2 homozygotes. Clinical features observed: Seizure (HP:0001250), Cerebellar atrophy (HP:0001272), Leukodystrophy (HP:0002415), Hypotonia (HP:0001252), Motor delay (HP:0001270).
Comment: The R140H variant in CLP1 gene has been identified in two Iranian families with seizure, brain and cerebellar atrophy, leukodystrophy, hypotonia, and developmental and motor delay.

CeGaT Center for Human Genetics Tuebingen
Classification: Pathogenic. Last evaluated: 2023-02-01. Review status: criteria provided, single submitter. Criteria: CeGaT Center For Human Genetics Tuebingen Variant Classification Criteria Version 2. Collection method: clinical testing. Allele origin: germline. Affected: yes. Observed: 8 variant alleles.
Comment: CLP1: PP1:Strong, PM2, PM3, PS3:Moderate

Clinical Genetics Laboratory, Skane University Hospital Lund
Classification: Pathogenic. Last evaluated: 2022-05-27. Review status: criteria provided, single submitter. Criteria: ACMG Guidelines, 2015. Collection method: clinical testing. Allele origin: germline. Affected: yes.

Institute of Medical Genetics and Applied Genomics, University Hospital Tübingen
Classification: Pathogenic. Last evaluated: 2020-10-23. Review status: criteria provided, single submitter. Criteria: ACMG Guidelines, 2015. Collection method: clinical testing. Allele origin: germline. Inheritance: Unknown mechanism. Affected: yes.

Broad Center for Mendelian Genomics, Broad Institute of MIT and Harvard
Classification: Pathogenic for Pontocerebellar hypoplasia type 10. Last evaluated: 2018-12-03. Review status: criteria provided, single submitter. Criteria: ACMG Guidelines, 2015. Collection method: research. Allele origin: germline. Inheritance: Autosomal recessive inheritance. Affected: yes.
Comment: This variant has been identified in 0.002978% (1/33574) of Latino chromosomes by the Genome Aggregation Database (gnomAD; dbSNP rs587777616). Although this variant has been seen in the general population, its frequency is low enough to be consistent with a recessive carrier frequency. The homozygous p.Arg140His variant in CLP1 has been reported in 19 Turkish individuals with cerebellar abnormalities and segregated with disease in 19 affected relatives from 9 families (PMID: 24766809, 24766810). In vitro functional studies provide some evidence that the p.Arg140His variant may impact protein function by impairing protein interaction with TSEN and reducing pre-tRNA cleavage activity. Northern blot analysis of individuals homozygous and heterozygous for this variant demonstrated increased levels of linear tRNA introns in individuals with the variant in the homozygous state (PMID: 24766809, 24766810). However, these types of assays may not accurately represent biological function. Animal models in zebrafish have shown that the wildtype gene, but not this variant, can rescue cerebellar neurodegeneration and animal models in mice have shown that this variant casues pontocerebellar hypoplasia (PMID: 24766809, 24766810). In summary, this variant meets criteria to be classified as pathogenic for Pontocerebellar Hypoplasia in an autosomal recessive manner based on evidence from in vitro functional studies, animal models in mice and zebrafish, and multiple occurrences of cosegregation in Turkish families. ACMG/AMP Criteria applied: PM2, PS3, PP1_Strong, PP3 (Richards 2015).

Lupski Lab, Baylor-Hopkins CMG, Baylor College of Medicine
Classification: Likely pathogenic for Pontocerebellar hypoplasia type 10. Last evaluated: 2014-04-27. Review status: criteria provided, single submitter. Criteria: Karaca et al. (Cell 2014). Collection method: research. Allele origin: inherited. Inheritance: Autosomal recessive inheritance. Affected: yes and no. Observed: 22 variant alleles, 11 heterozygotes, 11 homozygotes. Study: Human CLP1 mutations alter tRNA biogenesis, affecting both peripheral and central nervous system function.

Department of Pediatric Genetics, Istanbul University - Cerrahpasa
Classification: Pathogenic for Pontocerebellar hypoplasia, type 10. Review status: criteria provided, single submitter. Criteria: ACMG Guidelines, 2015. Collection method: clinical testing. Allele origin: germline. Affected: yes.

Neuberg Centre For Genomic Medicine, NCGM
Classification: Pathogenic for Pontocerebellar hypoplasia type 10. Review status: criteria provided, single submitter. Criteria: ACMG Guidelines, 2015. Collection method: clinical testing. Allele origin: germline. Affected: yes.
Comment: The missense variant p.R140H in CLP1 (NM_006831.3) has been reported in multiple individuals of Turkish origin and has been classified as a Founder variant in the same population (Schaffer AE et al). Functional studies revealed a damaging effect. The variant has been submitted to ClinVar as Pathogenic. The p.R140H missense variant is predicted to be damaging by both SIFT and PolyPhen2. The arginine residue at codon 140 of CLP1 is conserved in all mammalian species. The nucleotide c.419 in CLP1 is predicted conserved by GERP++ and PhyloP across 100 vertebrates. For these reasons, this variant has been classified as Pathogenic

OMIM
Classification: Pathogenic for PONTOCEREBELLAR HYPOPLASIA, TYPE 10. Last evaluated: 2014-04-24. Review status: no assertion criteria provided. Collection method: literature only. Allele origin: germline. Not counted in ClinVar's aggregate classification.

Next Generation Genetic Polyclinic
Classification: Pathogenic for Pontocerebellar hypoplasia type 10. Review status: no assertion criteria provided. Collection method: clinical testing. Allele origin: inherited. Affected: yes. Not counted in ClinVar's aggregate classification.

Literature cited by the submitters: PubMed 24766810 (cited by 3 submitters); PubMed 24766809 (cited by Broad Center for Mendelian Genomics, Broad Institute of MIT and Harvard and OMIM); PubMed 29307788 (cited by OMIM).